The following is an entry in ClinVar:

ClinVar aggregate classification (germline): Likely benign. Review status: criteria provided, multiple submitters, no conflicts (2 of 4 stars). 2 submissions from 2 submitters: Likely benign (2). Last evaluated 2025-12-16.

Conditions:
SLC22A12-related disorder. Also called: SLC22A12-related condition.

Allele frequency attached by ClinVar (database versions not stated): TOPMed 0.00002; gnomAD 0.00004; gnomAD exomes 0.00010; ExAC 0.00014.

Submissions (2):

PreventionGenetics, part of Exact Sciences
Classification: Likely benign for SLC22A12-related condition. Last evaluated: 2025-12-16. Review status: criteria provided, single submitter. Criteria: ACMG Guidelines, 2015. Collection method: clinical testing. Allele origin: germline.
Comment: This variant is classified as likely benign based on ACMG/AMP sequence variant interpretation guidelines (Richards et al. 2015 PMID: 25741868, with internal and published modifications).

Labcorp Genetics (formerly Invitae), Labcorp
Classification: Likely benign. Last evaluated: 2025-02-06. Review status: criteria provided, single submitter. Criteria: Invitae Variant Classification Sherloc (09022015). Collection method: clinical testing. Allele origin: germline.

NM_144585.4(SLC22A12):c.1566G>A (p.Pro522=)

Gene: SLC22A12 (solute carrier family 22 member 12; plus strand). Cytogenetic location: 11q13.1.
Variant type: single nucleotide variant.
Coding change: c.1566G>A on transcript NM_144585.4 (MANE Select); coding-DNA position 1566, G replaced by A.
Protein change: p.Pro522=; no amino-acid change (proline 522 retained).
Molecular consequence: synonymous variant.
Genome position (GRCh38, 1-based): chr11:64,600,906, G>A. VCF-style: chr11-64600906-G-A. GRCh37 (hg19) VCF-style: chr11-64368378-G-A.
Other names: c.1464G>A, p.Pro488= (NM_001276326.2); c.1242G>A, p.Pro414= (NM_001276327.2); c.903G>A, p.Pro301= (NM_153378.3); c.1566G>A (NM_144585.3).
Identifiers: ClinVar variation 2191164 (VCV002191164.5), dbSNP rs781770354, ClinGen allele CA6077485.
Genomic context (GRCh38, chr11:64,600,906, plus strand): 5'-GACGGTGCCAGTGCTGAGTGGCCTGGCCGCACTGCTTCTGCCCGAGACCCAGAGCTTGCC[G>A]CTGCCCGACACCATCCAAGATGTGCAGAACCAGTGAGTGGACCCAGCCTCGGGACCACCC-3'
Protein context (NP_653186.2, residues 512-532): ALLLPETQSL[Pro522=]LPDTIQDVQN